The following is an entry in ClinVar:

NM_016378.3(VCX2):c.225C>A (p.Gly75=)

Genes: VCX2 (variable charge X-linked 2; minus strand), LOC106029241 (S232-VCX2 recombination region; plus strand). Cytogenetic location: Xp22.31.
Variant type: single nucleotide variant.
Coding change: c.225C>A on transcript NM_016378.3 (MANE Select); coding-DNA position 225, C replaced by A.
Protein change: p.Gly75=; no amino-acid change (glycine 75 retained).
Molecular consequence: synonymous variant.
Genome position (GRCh38, 1-based): chrX:8,170,227, G>T on the plus strand (C>A on the coding strand, the complement: VCX2 is on the minus strand). VCF-style: chrX-8170227-G-T. GRCh37 (hg19) VCF-style: chrX-8138268-G-T.
Identifiers: ClinVar variation 2659928 (VCV002659928.24), dbSNP rs758668928, ClinGen allele CA10343112.
Genomic context (GRCh38, chrX:8,170,227, plus strand): 5'-CACTGGCTCCTCCGGCGGCAGCTCGTGCTGAGGGAGCTCCTGGCTGGGCTGGTCGCTGGG[G>T]CCGGGTGCCGCTGGCGCGCTCTCCGCCTCAGGTGCCGTCACGGCCGCCATCTTTGTCGCA-3'
Protein context (NP_057462.2, residues 65-85): PEAESAPAAP[Gly75=]PSDQPSQELP

ClinVar aggregate classification (germline): Likely benign (1 of 4 stars; one submission).

Allele frequency attached by ClinVar (database versions not stated): 1000 Genomes Project 30x 0.00062.

Submission:

CeGaT Center for Human Genetics Tuebingen
Classification: Likely benign. Last evaluated: 2022-09-01. Review status: criteria provided, single submitter. Criteria: CeGaT Center For Human Genetics Tuebingen Variant Classification Criteria Version 2. Collection method: clinical testing. Allele origin: germline. Affected: yes. Observed: 1 variant allele.
Comment: VCX2: BP4, BP7